The following is an entry in ClinVar:

ClinVar aggregate classification (germline): Conflicting classifications of pathogenicity. Review status: criteria provided, conflicting classifications (1 of 4 stars). 5 submissions from 5 submitters: Uncertain significance (2); Likely benign (3). Last evaluated 2026-01-18.

Conditions:
Connective tissue disorder. Also called: Connective tissue disease. Identifiers: MedGen C0009782, MONDO:0003900.
Greenberg dysplasia (GRBGD). Also called: CHONDRODYSTROPHY, HYDROPIC AND PRENATALLY LETHAL TYPE; HEM SKELETAL DYSPLASIA; MOTH-EATEN SKELETAL DYSPLASIA. Identifiers: Orphanet 1426, MedGen C2931048, MONDO:0008974, OMIM 215140.

Allele frequency attached by ClinVar (database versions not stated): ExAC 0.00021; gnomAD exomes 0.00023 and 0.00026; gnomAD 0.00028 and 0.00041; TOPMed 0.00038; ESP Exome Variant Server 0.00046.

Submissions (5):

Labcorp Genetics (formerly Invitae), Labcorp
Classification: Likely benign. Last evaluated: 2026-01-18. Review status: criteria provided, single submitter. Criteria: Invitae Variant Classification Sherloc (09022015). Collection method: clinical testing. Allele origin: germline.

CeGaT Center for Human Genetics Tuebingen
Classification: Likely benign. Last evaluated: 2025-11-01. Review status: criteria provided, single submitter. Criteria: CeGaT Center For Human Genetics Tuebingen Variant Classification Criteria Version 2. Collection method: clinical testing. Allele origin: germline. Affected: yes. Observed: 2 variant alleles.
Comment: LBR: BP4, BP7

Blueprint Genetics
Classification: Likely benign. Last evaluated: 2024-11-21. Review status: criteria provided, single submitter. Criteria: ACMG Guidelines, 2015. Collection method: clinical testing. Allele origin: germline.

Genome Diagnostics Laboratory, The Hospital for Sick Children
Classification: Uncertain significance for Connective tissue disorder. Last evaluated: 2021-11-16. Review status: criteria provided, single submitter. Criteria: ACMG Guidelines, 2015. Collection method: clinical testing. Allele origin: germline.

Illumina Laboratory Services, Illumina
Classification: Uncertain significance for Greenberg dysplasia. Last evaluated: 2018-01-12. Review status: criteria provided, single submitter. Criteria: ICSL Variant Classification Criteria 13 December 2019. Collection method: clinical testing. Allele origin: germline.

NM_002296.4(LBR):c.312C>T (p.Ala104=)

Gene: LBR (lamin B receptor; minus strand). Cytogenetic location: 1q42.12.
Variant type: single nucleotide variant.
Coding change: c.312C>T on transcript NM_002296.4 (MANE Select); coding-DNA position 312, C replaced by T.
Protein change: p.Ala104=; no amino-acid change (alanine 104 retained).
Molecular consequence: synonymous variant.
Genome position (GRCh38, 1-based): chr1:225,422,131, G>A on the plus strand (C>T on the coding strand, the complement: LBR is on the minus strand). VCF-style: chr1-225422131-G-A. GRCh37 (hg19) VCF-style: chr1-225609833-G-A.
Other names: c.312C>T, p.Ala104= (NM_194442.3).
Identifiers: ClinVar variation 725544 (VCV000725544.41), dbSNP rs146953852, ClinGen allele CA1417508.